The following is an entry in ClinVar:

NM_005245.4(FAT1):c.6717del (p.Ile2239fs)

Gene: FAT1 (FAT atypical cadherin 1; minus strand). Cytogenetic location: 4q35.2.
Variant type: Deletion.
Coding change: c.6717del on transcript NM_005245.4 (MANE Select); coding-DNA position 6717, one base deleted (A; older notation c.6717delA).
Protein change: p.Ile2239fs; shifts the reading frame from isoleucine 2239.
Molecular consequence: frameshift variant.
Genome position (GRCh38, 1-based): chr4:186,619,869, T deleted on the plus strand (A on the coding strand, the reverse complement: FAT1 is on the minus strand). VCF-style (leftmost placement, unchanged base first): chr4-186619868-CT-C. GRCh37 (hg19) VCF-style: chr4-187541022-CT-C.
Other names: short protein forms I2239fs.
Identifiers: ClinVar variation 3723085 (VCV003723085.2).
Genomic context (GRCh38, chr4:186,619,868, plus strand): 5'-AGGAGTCAGTTGCGCGTATGCTCAGCTTATATGCCGGGTGGGCCTCAAAGTCCAGAGGAG[CT>C]ATGACATTGATAACTCCAGTATTGAAGTTAATAGTGAACTGGCTGAAAGGGTCTCCGTCT-3'

ClinVar aggregate classification (germline): Pathogenic (1 of 4 stars; one submission).

Submission:

Labcorp Genetics (formerly Invitae), Labcorp
Classification: Pathogenic. Last evaluated: 2024-10-16. Review status: criteria provided, single submitter. Criteria: Invitae Variant Classification Sherloc (09022015). Collection method: clinical testing. Allele origin: germline.
Comment: This sequence change creates a premature translational stop signal (p.Ile2239Metfs*14) in the FAT1 gene. It is expected to result in an absent or disrupted protein product. Loss-of-function variants in FAT1 are known to be pathogenic (PMID: 30862798). This variant is not present in population databases (gnomAD no frequency). This variant has not been reported in the literature in individuals affected with FAT1-related conditions. For these reasons, this variant has been classified as Pathogenic.

Literature cited by the submitters: PubMed 30862798.